The following is an entry in ClinVar:

NM_000059.4(BRCA2):c.6706G>A (p.Glu2236Lys)

Gene: BRCA2 (BRCA2 DNA repair associated; plus strand). Cytogenetic location: 13q13.1.
Variant type: single nucleotide variant.
Coding change: c.6706G>A on transcript NM_000059.4 (MANE Select); coding-DNA position 6706, G replaced by A.
Protein change: p.Glu2236Lys; replaces glutamic acid 2236 with lysine.
Molecular consequence: missense variant.
Genome position (GRCh38, 1-based): chr13:32,341,061, G>A. VCF-style: chr13-32341061-G-A. GRCh37 (hg19) VCF-style: chr13-32915198-G-A.
Other names: 6934G>A; short protein forms E2236K.
Identifiers: ClinVar variation 52165 (VCV000052165.47), dbSNP rs41293503, ClinGen allele CA024312.
Genomic context (GRCh38, chr13:32,341,061, plus strand): 5'-TCCAAAGATTCAGAAAACTACTTTGAAACAGAAGCAGTAGAAATTGCTAAAGCTTTTATG[G>A]AAGATGATGAACTGACAGATTCTAAACTGCCAAGTCATGCCACACATTCTCTTTTTACAT-3'
Protein context (NP_000050.3, residues 2226-2246): EAVEIAKAFM[Glu2236Lys]DDELTDSKLP

ClinVar aggregate classification (germline): Conflicting classifications of pathogenicity. Review status: criteria provided, conflicting classifications (1 of 4 stars). 20 submissions from 19 submitters: Uncertain significance (14); Likely benign (3). 3 of the submissions do not count toward it. Last evaluated 2026-07-27.

Conditions:
BRCA2-related cancer predisposition. Identifiers: MedGen CN377758, MONDO:0700269.
BRCA2-related disorder. Also called: BRCA2-related condition; BRCA2-related disorders. Identifiers: MedGen CN239275.
Breast and/or ovarian cancer. Identifiers: MedGen CN221562.
Breast-ovarian cancer, familial, susceptibility to, 2 (BROVCA2). Also called: BRCA2 Hereditary Breast and Ovarian Cancer. Identifiers: Orphanet 145, MedGen C2675520, MONDO:0012933, OMIM 612555. Disease mechanism: loss of function.
Fanconi anemia complementation group D1. Also called: BRCA2-Related Fanconi Anemia. Identifiers: Orphanet 319462, MedGen C1838457, MONDO:0011584, OMIM 605724.
Medulloblastoma (MDB). Also called: MEDULLOBLASTOMA PREDISPOSITION SYNDROME; Medulloblastoma, somatic. Identifiers: Orphanet 616, MedGen C0025149, MeSH D008527, MONDO:0007959, OMIM 155255, HP:0002885.
Pancreatic cancer, susceptibility to, 2. Identifiers: Orphanet 1333, MedGen C3150546, MONDO:0013235, OMIM 613347.
Glioma susceptibility 3 (GLM3). Also called: Glioblastoma 3. Identifiers: Orphanet 182067, Orphanet 360, MedGen C2751641, MONDO:0013093, OMIM 613029.
Wilms tumor 1 (WT1). Also called: Wilms tumor, somatic. Identifiers: Orphanet 654, MedGen CN033288, MONDO:0008679, OMIM 194070.
Familial cancer of breast. Also called: hereditary breast carcinoma; BREAST CANCER, FAMILIAL; Hereditary breast cancer. Identifiers: Orphanet 227535, MedGen C0346153, MONDO:0016419, OMIM 114480. Disease mechanism: loss of function.
Prostate cancer. Also called: Malignant tumor of prostate. Identifiers: Orphanet 1331, MedGen C0376358, MONDO:0008315, HP:0012125.
Hereditary cancer-predisposing syndrome. Also called: Hereditary Cancer Syndrome; Neoplastic Syndromes, Hereditary; Hereditary neoplastic syndrome; Tumor predisposition. Identifiers: Orphanet 140162, MedGen C0027672, MeSH D009386, MONDO:0015356.
Hereditary breast ovarian cancer syndrome. Also called: Hereditary breast and ovarian cancer syndrome; Breast and ovarian cancer; Hereditary breast and ovarian cancer syndrome (HBOC); BRCA1- and BRCA2-Associated Hereditary Breast and Ovarian Cancer; Hereditary breast and/or ovarian cancer syndrome; Hereditary breast and ovarian cancer. Identifiers: Orphanet 145, MedGen C0677776, MeSH D061325, MONDO:0003582. Disease mechanism: loss of function.

Allele frequency attached by ClinVar (database versions not stated): gnomAD 0.00001; TOPMed 0.00002; ExAC 0.00003; ESP Exome Variant Server 0.00015; gnomAD exomes 0.00004.
gnomAD v4.1: 76 of 1,613,862 alleles (0.0047%); highest among the groups gnomAD compares: Non-Finnish European, 0.0063%; no homozygotes.

Submissions 1 to 7 of 20:

PreventionGenetics, part of Exact Sciences
Classification: Uncertain significance for BRCA2-related condition. Last evaluated: 2026-07-27. Review status: criteria provided, single submitter. Criteria: ACMG Guidelines, 2015. Collection method: clinical testing. Allele origin: germline.
Comment: The BRCA2 c.6706G>A variant is predicted to result in the amino acid substitution p.Glu2236Lys. This variant has been reported in individuals with prostate cancer (Kote-Jarai et al. 2011. PubMed ID: 21952622; Holeckova et al. 2020. PubMed ID: 32606146) and breast or ovarian cancer (Cunningham et al. 2014. PubMed ID: 24504028; Kluska et al. 2015. PubMed ID: 25948282). It is reported in 0.0062% of alleles in individuals of European (Non-Finnish) descent in gnomAD and has conflicting interpretations in ClinVar, ranging from uncertain to likely benign (Variation ID: 52165). At this time, the clinical significance of this variant is uncertain due to the absence of conclusive functional and genetic evidence.

Women's Health and Genetics/Laboratory Corporation of America, LabCorp
Classification: Uncertain significance. Last evaluated: 2025-12-22. Review status: criteria provided, single submitter. Criteria: LabCorp Variant Classification Summary - May 2015. Collection method: clinical testing. Allele origin: germline.
Comment: Variant summary: BRCA2 c.6706G>A (p.Glu2236Lys) results in a conservative amino acid change in the encoded protein sequence. Algorithms developed to predict the effect of missense changes on protein structure and function are either unavailable or do not agree on the potential impact of this missense change. The variant allele was found at a frequency of 3.6e-05 in 251308 control chromosomes (gnomAD). The available data on variant occurrences in the general population are insufficient to allow any conclusion about variant significance. c.6706G>A has been observed in in settings of multigene panel testing among individuals affected with a variety of cancers such as breast and/or ovarian and prostate cancers (e.g. Jones_2014, Cunningham_2014, Kluska_2015, Lincoln_2015, Moghadasi_2013, Kote-Jarai_2011, Holeckova_2020). These data do not allow any conclusion about variant significance. To our knowledge, no experimental evidence demonstrating an impact on protein function has been reported. The following publications have been ascertained in the context of this evaluation (PMID: 24504028, 32606146, 25233892, 25948282, 21952622, 26207792, 23231788, 18724707). ClinVar contains an entry for this variant (Variation ID: 52165). Based on the evidence outlined above, the variant was classified as uncertain significance.

Labcorp Genetics (formerly Invitae), Labcorp
Classification: Likely benign for Hereditary breast ovarian cancer syndrome. Last evaluated: 2025-12-21. Review status: criteria provided, single submitter. Criteria: Invitae Variant Classification Sherloc (09022015). Collection method: clinical testing. Allele origin: germline.

Ambry Genetics
Classification: Uncertain significance for Hereditary cancer-predisposing syndrome. Last evaluated: 2025-07-25. Review status: criteria provided, single submitter. Criteria: Ambry Variant Classification Scheme 2023. Collection method: clinical testing. Allele origin: germline.
Comment: The p.E2236K variant (also known as c.6706G>A), located in coding exon 10 of the BRCA2 gene, results from a G to A substitution at nucleotide position 6706. The glutamic acid at codon 2236 is replaced by lysine, an amino acid with similar properties. This alteration has been identified in several European cohorts of individuals diagnosed with breast, ovarian and prostate cancer (Kote-Jarai Z et al. Br. J. Cancer, 2011 Oct;105:1230-4; Moghadasi S et al. J. Med. Genet., 2013 Feb;50:74-9; Kluska A et al. BMC Med Genomics, 2015 May;8:19; Cunningham JM et al. Sci Rep, 2014 Feb;4:4026). This amino acid position is highly conserved in available vertebrate species. In addition, the in silico prediction for this alteration is inconclusive. Based on the available evidence, the clinical significance of this variant remains unclear.

Quest Diagnostics Nichols Institute San Juan Capistrano
Classification: Uncertain significance. Last evaluated: 2024-09-26. Review status: criteria provided, single submitter. Criteria: Quest Diagnostics criteria. Collection method: clinical testing. Allele origin: unknown.
Comment: The BRCA2 c.6706G>A (p.Glu2236Lys) variant has been reported in the published literature in individuals affected with breast and/or ovarian cancer (PMID: 24504028 (2014), 25948282 (2015), 33471991 (2021), see also LOVD, 39062721 (2024)), and prostate cancer (PMID: 21952622 (2011), 32606146 (2020)). This variant has also been observed in reportedly healthy individuals (PMID: 33471991 (2021), see also LOVD) and described to be located in a region of the BRCA2 gene that is tolerant to missense sequence changes (PMID: 31911673 (2020)). The frequency of this variant in the general population, 0.000062 (7/113652 chromosomes (Genome Aggregation Database)), is uninformative in the assessment of its pathogenicity. Analysis of this variant using bioinformatics tools for the prediction of the effect of amino acid changes on protein structure and function yielded conflicting predictions that this variant is benign or damaging. Based on the available information, we are unable to determine the clinical significance of this variant.

GeneDx
Classification: Uncertain significance. Last evaluated: 2024-06-24. Review status: criteria provided, single submitter. Criteria: GeneDx Variant Classification Process June 2021. Collection method: clinical testing. Allele origin: germline. Affected: yes.
Comment: Observed in individuals with BRCA2-related cancers (PMID: 24504028, 25948282, 32606146, 31409081, 21952622); In silico analysis indicates that this missense variant does not alter protein structure/function; Also known as 6934G>A; This variant is associated with the following publications: (PMID: 18724707, 32606146, 23231788, 21952622, 25948282, 26207792, 24504028, 27126562, 31409081, 33471991)

German Consortium for Hereditary Breast and Ovarian Cancer, University Hospital Cologne
Classification: Likely benign for Hereditary breast ovarian cancer syndrome. Last evaluated: 2024-06-10. Review status: criteria provided, single submitter. Criteria: ClinGen BRCA2 V1.0.0. Collection method: curation. Allele origin: germline.
Comment: According to the ClinGen ENIGMA BRCA2 v1.0.0 criteria we chose these criteria: BP1 (strong benign): outside a (potentially) clinically important functional domain AND nosplicing predicted (SpliceAI ≤0.1), BS1 (supporting benign): FAF (exomes) 0.00003129 (>0.00002)